The following is an entry in ClinVar:

NM_000718.4(CACNA1B):c.2661G>C (p.Arg887=)

Gene: CACNA1B (calcium voltage-gated channel subunit alpha1 B; plus strand). Cytogenetic location: 9q34.3.
Variant type: single nucleotide variant.
Coding change: c.2661G>C on transcript NM_000718.4 (MANE Select); coding-DNA position 2661, G replaced by C.
Protein change: p.Arg887=; no amino-acid change (arginine 887 retained).
Molecular consequence: synonymous variant.
Genome position (GRCh38, 1-based): chr9:138,023,404, G>C. VCF-style: chr9-138023404-G-C. GRCh37 (hg19) VCF-style: chr9-140917856-G-C.
Other names: c.2661G>C, p.Arg887= (NM_001243812.2).
Identifiers: ClinVar variation 3905176 (VCV003905176.10).

ClinVar aggregate classification (germline): Likely benign (1 of 4 stars; one submission).

Submission:

CeGaT Center for Human Genetics Tuebingen
Classification: Likely benign. Last evaluated: 2025-05-01. Review status: criteria provided, single submitter. Criteria: CeGaT Center For Human Genetics Tuebingen Variant Classification Criteria Version 2. Collection method: clinical testing. Allele origin: germline. Affected: yes. Observed: 1 variant allele.
Comment: CACNA1B: PM2:Supporting, BP4, BP7